The following is an entry in ClinVar:

NM_001277115.2(DNAH11):c.13254T>G (p.Tyr4418Ter)

Gene: DNAH11 (dynein axonemal heavy chain 11; plus strand). Cytogenetic location: 7p15.3.
Variant type: single nucleotide variant.
Coding change: c.13254T>G on transcript NM_001277115.2 (MANE Select); coding-DNA position 13254, T replaced by G.
Protein change: p.Tyr4418Ter; replaces tyrosine 4418 with a stop codon.
Molecular consequence: nonsense.
Genome position (GRCh38, 1-based): chr7:21,900,071, T>G. VCF-style: chr7-21900071-T-G. GRCh37 (hg19) VCF-style: chr7-21939689-T-G.
Other names: short protein forms Y4418*.
Identifiers: ClinVar variation 4703788 (VCV004703788.1).

ClinVar aggregate classification (germline): Pathogenic (1 of 4 stars; one submission).

Conditions:
Primary ciliary dyskinesia. Also called: Ciliary dyskinesia. Identifiers: Orphanet 244, MedGen C0008780, MONDO:0016575, HP:0012265.

Submission:

Labcorp Genetics (formerly Invitae), Labcorp
Classification: Pathogenic for Primary ciliary dyskinesia. Last evaluated: 2025-08-19. Review status: criteria provided, single submitter. Criteria: Invitae Variant Classification Sherloc (09022015). Collection method: clinical testing. Allele origin: germline.
Comment: This sequence change creates a premature translational stop signal (p.Tyr4418*) in the DNAH11 gene. It is expected to result in an absent or disrupted protein product. Loss-of-function variants in DNAH11 are known to be pathogenic (PMID: 18022865, 20513915, 22184204). This variant is not present in population databases (gnomAD no frequency). This variant has not been reported in the literature in individuals affected with DNAH11-related conditions. For these reasons, this variant has been classified as Pathogenic.

Literature cited by the submitters: PubMed 18022865; PubMed 20513915; PubMed 22184204.